The following is an entry in ClinVar:

NM_025074.7(FRAS1):c.1037A>G (p.Asn346Ser)

Gene: FRAS1 (Fraser extracellular matrix complex subunit 1; plus strand). Cytogenetic location: 4q21.21.
Variant type: single nucleotide variant.
Coding change: c.1037A>G on transcript NM_025074.7 (MANE Select); coding-DNA position 1037, A replaced by G.
Protein change: p.Asn346Ser; replaces asparagine 346 with serine.
Molecular consequence: missense variant.
Genome position (GRCh38, 1-based): chr4:78,278,710, A>G. VCF-style: chr4-78278710-A-G. GRCh37 (hg19) VCF-style: chr4-79199864-A-G.
Other names: c.1037A>G, p.Asn346Ser (NM_001166133.2); short protein forms N346S.
Identifiers: ClinVar variation 2415884 (VCV002415884.4), dbSNP rs371789863, ClinGen allele CA2976147.
Genomic context (GRCh38, chr4:78,278,710, plus strand): 5'-TACAGGATGAAGAATTAATTCACTTAGATGGAAAGTGTTGTCCTGAATGCATTTCAAGGA[A>G]TGGTTATTGTGTTTATGAAGAAACTGGAGAATTTGTGAGTATCAGGCTTATAACCGAAGA-3'
Protein context (NP_079350.5, residues 336-356): GKCCPECISR[Asn346Ser]GYCVYEETGE

ClinVar aggregate classification (germline): Uncertain significance (1 of 4 stars; one submission).

Allele frequency attached by ClinVar (database versions not stated): gnomAD exomes below 0.00001; ExAC 0.00003; gnomAD 0.00005; TOPMed 0.00005; ESP Exome Variant Server 0.00017.

Submission:

Labcorp Genetics (formerly Invitae), Labcorp
Classification: Uncertain significance. Last evaluated: 2025-06-12. Review status: criteria provided, single submitter. Criteria: Invitae Variant Classification Sherloc (09022015). Collection method: clinical testing. Allele origin: germline.
Comment: This sequence change replaces asparagine, which is neutral and polar, with serine, which is neutral and polar, at codon 346 of the FRAS1 protein (p.Asn346Ser). This variant is present in population databases (rs371789863, gnomAD 0.03%). This variant has not been reported in the literature in individuals affected with FRAS1-related conditions. ClinVar contains an entry for this variant (Variation ID: 2415884). An algorithm developed to predict the effect of missense changes on protein structure and function outputs the following: PolyPhen-2: "Benign". The serine amino acid residue is found in multiple mammalian species, which suggests that this missense change does not adversely affect protein function. In summary, the available evidence is currently insufficient to determine the role of this variant in disease. Therefore, it has been classified as a Variant of Uncertain Significance.